The following is an entry in ClinVar:

ClinVar aggregate classification (germline): Pathogenic (1 of 4 stars; one submission).

Conditions:
Hypohidrotic X-linked ectodermal dysplasia (XHED). Also called: ECTODERMAL DYSPLASIA 1, HYPOHIDROTIC/HAIR/TOOTH TYPE, X-LINKED; Ectodermal Dysplasia 1, Anhidrotic; Anhidrotic ectodermal dysplasia X-linked; Christ Siemens Touraine syndrome; ECTODERMAL DYSPLASIA, HYPOHIDROTIC, 1; CST SYNDROME. Identifiers: Orphanet 181, Orphanet 238468, MedGen C0162359, MONDO:0010585, OMIM 305100.

Submission:

Labcorp Genetics (formerly Invitae), Labcorp
Classification: Pathogenic for Hypohidrotic X-linked ectodermal dysplasia. Last evaluated: 2024-10-30. Review status: criteria provided, single submitter. Criteria: Invitae Variant Classification Sherloc (09022015). Collection method: clinical testing. Allele origin: germline.
Comment: This sequence change creates a premature translational stop signal (p.Phe329Leufs*40) in the EDA gene. While this is not anticipated to result in nonsense mediated decay, it is expected to disrupt the last 63 amino acid(s) of the EDA protein. This variant is not present in population databases (gnomAD no frequency). This variant has not been reported in the literature in individuals affected with EDA-related conditions. This variant disrupts a region of the EDA protein in which other variant(s) (p.Arg384Ser) have been determined to be pathogenic (PMID: 25333067; internal data). This suggests that this is a clinically significant region of the protein, and that variants that disrupt it are likely to be disease-causing. For these reasons, this variant has been classified as Pathogenic.

Literature cited by the submitters: PubMed 25333067.

NM_001399.5(EDA):c.984dup (p.Phe329fs)

Gene: EDA (ectodysplasin A; plus strand). Cytogenetic location: Xq13.1.
Variant type: Duplication.
Coding change: c.984dup on transcript NM_001399.5 (MANE Select); coding-DNA position 984, one base duplicated (C; older notation c.984dupC).
Protein change: p.Phe329fs; shifts the reading frame from phenylalanine 329.
Molecular consequence: frameshift variant.
Genome position (GRCh38, 1-based): chrX:70,035,417, C duplicated; the last of 3 consecutive C bases (chrX:70,035,415-70,035,417); duplicating any one gives the same sequence. VCF-style (leftmost placement, unchanged base first): chrX-70035414-G-GC. GRCh37 (hg19) VCF-style: chrX-69255264-G-GC.
Other names: c.978dup, p.Phe327fs (NM_001005609.2); c.969dup, p.Phe324fs (NM_001005612.3); short protein forms F324fs, F327fs, F329fs.
Identifiers: ClinVar variation 3724125 (VCV003724125.2).